The following is an entry in ClinVar:

ClinVar aggregate classification (germline): Conflicting classifications of pathogenicity. Review status: criteria provided, conflicting classifications (1 of 4 stars). 3 submissions from 3 submitters: Uncertain significance (1); Likely benign (2). Last evaluated 2025-08-29.

Conditions:
AHDC1-related intellectual disability - obstructive sleep apnea - mild dysmorphism syndrome. Also called: Xia-Gibbs syndrome. Identifiers: Orphanet 412069, MedGen C4014419, MONDO:0014358, OMIM 615829.
Inborn genetic diseases. Identifiers: MedGen C0950123, MeSH D030342.

Allele frequency attached by ClinVar (database versions not stated): gnomAD 0.00002; gnomAD exomes 0.00004; ExAC 0.00005; TOPMed 0.00006.
gnomAD v4.1: 69 of 1,568,938 alleles (0.0044%); highest among the groups gnomAD compares: South Asian, 0.011%; no homozygotes.

Submissions (3):

Labcorp Genetics (formerly Invitae), Labcorp
Classification: Likely benign. Last evaluated: 2025-08-29. Review status: criteria provided, single submitter. Criteria: Invitae Variant Classification Sherloc (09022015). Collection method: clinical testing. Allele origin: germline.

Neuberg Centre For Genomic Medicine, NCGM
Classification: Uncertain significance for AHDC1-related intellectual disability - obstructive sleep apnea - mild dysmorphism syndrome. Last evaluated: 2023-05-20. Review status: criteria provided, single submitter. Criteria: ACMG Guidelines, 2015. Collection method: clinical testing. Allele origin: germline. Inheritance: Autosomal dominant inheritance. Affected: yes.
Comment: The observed missense variant c.4718C>T(p.Ala1573Val) in AHDC1 gene has not been reported previously as a pathogenic variant nor as a benign variant, to our knowledge. The c.4718C>T variant has 0.005% allele frequency in gnomAD Exomes. This variant has been submitted to the ClinVar database as Uncertain Significance. However, no details are available for independent assessment.The amino acid Alanine at position 1573 is changed to a Valine changing protein sequence and it might alter its composition and physico-chemical properties. Computational evidence (Polyphe-Benign, SIFT-Damaging and Mutation Taster-polymorphism) predicts conflicting evidence on protein structure and function for this variant.The reference amino acid in AHDC1 is predicted as conserved by GERP++ and PhyloP across 100 vertebrates. For these reasons, this variant has been classified as Uncertain Significance.

Ambry Genetics
Classification: Likely benign for Inborn genetic diseases. Last evaluated: 2023-04-06. Review status: criteria provided, single submitter. Criteria: Ambry Variant Classification Scheme 2023. Collection method: clinical testing. Allele origin: germline.

NM_001371928.1(AHDC1):c.4718C>T (p.Ala1573Val)

Gene: AHDC1 (AT-hook DNA binding motif containing 1; minus strand). Cytogenetic location: 1p36.11.
Variant type: single nucleotide variant.
Coding change: c.4718C>T on transcript NM_001371928.1 (MANE Select); coding-DNA position 4718, C replaced by T.
Protein change: p.Ala1573Val; replaces alanine 1573 with valine.
Molecular consequence: missense variant.
Genome position (GRCh38, 1-based): chr1:27,547,398, G>A on the plus strand (C>T on the coding strand, the complement: AHDC1 is on the minus strand). VCF-style: chr1-27547398-G-A. GRCh37 (hg19) VCF-style: chr1-27873909-G-A.
Other names: c.4718C>T, p.Ala1573Val (NM_001029882.3); c.674C>T, p.Ala225Val (NM_015699.1); c.4718C>T (NM_001029882.2); short protein forms A1573V, A225V.
Identifiers: ClinVar variation 2173017 (VCV002173017.7), dbSNP rs371087154, ClinGen allele CA715292.